The following is an entry in ClinVar:

NM_001080442.3(SLC38A8):c.633-1G>T

Gene: SLC38A8 (solute carrier family 38 member 8; minus strand). Cytogenetic location: 16q23.3.
Variant type: single nucleotide variant.
Coding change: c.633-1G>T on transcript NM_001080442.3 (MANE Select); the canonical splice acceptor site of the intron before coding-DNA position 633, G replaced by T.
Molecular consequence: splice acceptor variant.
Genome position (GRCh38, 1-based): chr16:84,029,552, C>A on the plus strand (G>T on the coding strand, the complement: SLC38A8 is on the minus strand). VCF-style: chr16-84029552-C-A. GRCh37 (hg19) VCF-style: chr16-84063157-C-A.
Identifiers: ClinVar variation 2836220 (VCV002836220.3), dbSNP rs1409386171, ClinGen allele CA396937267.
Genomic context (GRCh38, chr16:84,029,552, plus strand): 5'-ACCTGAAACCCGAAGCAGATGGTGGGGAAGACACTGAACACAGAGGTCCAGGAGGCAGGG[C>A]TGTAAACAGACAAGAACAGGAGTTTATTAAAGAAGGGTCACACCCGGAACAACCTGCGGC-3'

ClinVar aggregate classification (germline): Likely pathogenic (1 of 4 stars; one submission).

Allele frequency attached by ClinVar (database versions not stated): gnomAD exomes below 0.00001; gnomAD 0.00001.
gnomAD v4.1: 3 of 1,613,986 alleles (0.00019%); highest among the groups gnomAD compares: African/African-American, 0.0013%; no homozygotes.

Submission:

Labcorp Genetics (formerly Invitae), Labcorp
Classification: Likely pathogenic. Last evaluated: 2023-02-11. Review status: criteria provided, single submitter. Criteria: Invitae Variant Classification Sherloc (09022015). Collection method: clinical testing. Allele origin: germline.
Comment: In summary, the currently available evidence indicates that the variant is pathogenic, but additional data are needed to prove that conclusively. Therefore, this variant has been classified as Likely Pathogenic. Algorithms developed to predict the effect of sequence changes on RNA splicing suggest that this variant may disrupt the consensus splice site. This variant has not been reported in the literature in individuals affected with SLC38A8-related conditions. This variant is present in population databases (no rsID available, gnomAD 0.01%). This sequence change affects an acceptor splice site in intron 4 of the SLC38A8 gene. It is expected to disrupt RNA splicing. Variants that disrupt the donor or acceptor splice site typically lead to a loss of protein function (PMID: 16199547), and loss-of-function variants in SLC38A8 are known to be pathogenic (PMID: 24290379).

Literature cited by the submitters: PubMed 16199547; PubMed 24290379.